The following is an entry in ClinVar:

ClinVar aggregate classification (germline): Benign/Likely benign. Review status: criteria provided, multiple submitters, no conflicts (2 of 4 stars). 3 submissions from 3 submitters: Benign (2); Likely benign (1). Last evaluated 2026-01-28.

Conditions:
Intellectual developmental disorder, X-linked 93. Also called: Intellectual disability, X-linked 93; MENTAL RETARDATION, X-LINKED, WITH MACROCEPHALY. Identifiers: MedGen C1970841, MONDO:0010393, OMIM 300659.

Allele frequency attached by ClinVar (database versions not stated): gnomAD 0.00159 and 0.00148; ESP Exome Variant Server 0.00142; gnomAD exomes 0.00043 and 0.00013; ExAC 0.00044; 1000 Genomes Project 0.00132; TOPMed 0.00153; 1000 Genomes Project 30x 0.00125.
gnomAD v4.1: 316 of 1,193,379 alleles (0.026%); highest among the groups gnomAD compares: African/African-American, 0.5%; no homozygotes.

Submissions (3):

Labcorp Genetics (formerly Invitae), Labcorp
Classification: Benign. Last evaluated: 2026-01-28. Review status: criteria provided, single submitter. Criteria: Invitae Variant Classification Sherloc (09022015). Collection method: clinical testing. Allele origin: germline.

Blueprint Genetics
Classification: Likely benign. Last evaluated: 2023-11-14. Review status: criteria provided, single submitter. Criteria: ACMG Guidelines, 2015. Collection method: clinical testing. Allele origin: germline.

Illumina Laboratory Services, Illumina
Classification: Benign for Intellectual developmental disorder, X-linked 93. Last evaluated: 2018-01-12. Review status: criteria provided, single submitter. Criteria: ICSL Variant Classification Criteria 13 December 2019. Collection method: clinical testing. Allele origin: germline.
Comment: This variant was observed in the ICSL laboratory as part of a predisposition screen in an ostensibly healthy population. It had not been previously curated by ICSL or reported in the Human Gene Mutation Database (HGMD: prior to June 1st, 2018), and was therefore a candidate for classification through an automated scoring system. Utilizing variant allele frequency, disease prevalence and penetrance estimates, and inheritance mode, an automated score was calculated to assess if this variant is too frequent to cause the disease. Based on the score and internal cut-off values, a variant classified as benign is not then subjected to further curation. The score for this variant resulted in a classification of benign for this disease.

NM_153252.5(BRWD3):c.2044+13A>G

Gene: BRWD3 (bromodomain and WD repeat domain containing 3; minus strand). Cytogenetic location: Xq21.1.
Variant type: single nucleotide variant.
Coding change: c.2044+13A>G on transcript NM_153252.5 (MANE Select); 13 bases into the intron after coding-DNA position 2044, A replaced by G.
Molecular consequence: intron variant.
Genome position (GRCh38, 1-based): chrX:80,719,476, T>C on the plus strand (A>G on the coding strand, the complement: BRWD3 is on the minus strand). VCF-style: chrX-80719476-T-C. GRCh37 (hg19) VCF-style: chrX-79974975-T-C.
Identifiers: ClinVar variation 914757 (VCV000914757.9), dbSNP rs372899207, ClinGen allele CA10462109.
Genomic context (GRCh38, chrX:80,719,476, plus strand): 5'-ATGTAATTATTTGGTAAAAGTAAAATAATTACAGTACATAAACTACACCCTTTACAAGTA[T>C]AAAAATACTTACCACCATTAACAGAGTATGCTCTATTAACTGGTAAATGTGGAACATCTC-3'